The following is an entry in ClinVar:

NM_017841.4(SDHAF2):c.77T>G (p.Leu26Arg)

Gene: SDHAF2 (succinate dehydrogenase complex assembly factor 2; plus strand). Cytogenetic location: 11q12.2.
Variant type: single nucleotide variant.
Coding change: c.77T>G on transcript NM_017841.4 (MANE Select); coding-DNA position 77, T replaced by G.
Protein change: p.Leu26Arg; replaces leucine 26 with arginine.
Molecular consequence: missense variant.
Genome position (GRCh38, 1-based): chr11:61,437,665, T>G. VCF-style: chr11-61437665-T-G. GRCh37 (hg19) VCF-style: chr11-61205137-T-G.
Other names: short protein forms L26R.
Identifiers: ClinVar variation 4547288 (VCV004547288.1).

ClinVar aggregate classification (germline): Uncertain significance (1 of 4 stars; one submission).

Conditions:
Hereditary cancer-predisposing syndrome. Also called: Tumor predisposition; Hereditary Cancer Syndrome; Hereditary neoplastic syndrome; Neoplastic Syndromes, Hereditary. Identifiers: Orphanet 140162, MedGen C0027672, MeSH D009386, MONDO:0015356.

Submission:

Ambry Genetics
Classification: Uncertain significance for Hereditary cancer-predisposing syndrome. Last evaluated: 2025-10-28. Review status: criteria provided, single submitter. Criteria: Ambry Variant Classification Scheme 2023. Collection method: clinical testing. Allele origin: germline.
Comment: The p.L26R variant (also known as c.77T>G), located in coding exon 2 of the SDHAF2 gene, results from a T to G substitution at nucleotide position 77. The leucine at codon 26 is replaced by arginine, an amino acid with dissimilar properties. This amino acid position is conserved. In addition, this alteration is predicted to be tolerated by in silico analysis. Based on the available evidence, the clinical significance of this variant remains unclear.